The following is an entry in ClinVar:

ClinVar aggregate classification (germline): Uncertain significance (1 of 4 stars; one submission).

Submission:

Dasa
Classification: Uncertain significance. Last evaluated: 2025-10-09. Review status: criteria provided, single submitter. Criteria: DASA Assertion Criteria. Collection method: clinical testing. Allele origin: germline.
Comment: NM_001385012.1(NBEA):c.1183G>A (p.Glu395Lys) is a missense variant that results in the substitution of glutamic acid with lysine. This variant is absent from population databases. Computational prediction algorithms are consistent with a deleterious effect. The currently available literature and clinical evidence are not sufficient to establish a definitive association between this variant and the reported condition. Therefore, this variant is classified as a variant of uncertain significance.

NM_001385012.1(NBEA):c.1183G>A (p.Glu395Lys)

Gene: NBEA (neurobeachin; plus strand). Cytogenetic location: 13q13.3.
Variant type: single nucleotide variant.
Coding change: c.1183G>A on transcript NM_001385012.1 (MANE Select); coding-DNA position 1183, G replaced by A.
Protein change: p.Glu395Lys; replaces glutamic acid 395 with lysine.
Molecular consequence: missense variant.
Genome position (GRCh38, 1-based): chr13:35,058,807, G>A. VCF-style: chr13-35058807-G-A. GRCh37 (hg19) VCF-style: chr13-35632944-G-A.
Other names: c.1183G>A, p.Glu395Lys (NM_001379245.1, NM_015678.5); short protein forms E395K.
Identifiers: ClinVar variation 5020837 (VCV005020837.1).
Genomic context (GRCh38, chr13:35,058,807, plus strand): 5'-GAAACTGCTGATGCAAATAGGGTATTCTGTGGTCAACTTGGTGCCGTGTATGTGTTCAGT[G>A]AAGCACTCAACCCAGCACAGATATTTGCAATTCATCAGTTAGGACCTGGATATAAGGTAG-3'
Protein context (NP_001371941.1, residues 385-405): GQLGAVYVFS[Glu395Lys]ALNPAQIFAI